The following is an entry in ClinVar:

NM_000256.3(MYBPC3):c.2727C>A (p.Cys909Ter)

Gene: MYBPC3 (myosin binding protein C3; minus strand). Cytogenetic location: 11p11.2.
Variant type: single nucleotide variant.
Coding change: c.2727C>A on transcript NM_000256.3 (MANE Select); coding-DNA position 2727, C replaced by A.
Protein change: p.Cys909Ter; replaces cysteine 909 with a stop codon.
Molecular consequence: nonsense.
Genome position (GRCh38, 1-based): chr11:47,335,887, G>T on the plus strand (C>A on the coding strand, the complement: MYBPC3 is on the minus strand). VCF-style: chr11-47335887-G-T. GRCh37 (hg19) VCF-style: chr11-47357438-G-T.
Other names: c.2727C>A, p.Cys909Ter (LRG_386t1); short protein forms C909*.
Identifiers: ClinVar variation 263484 (VCV000263484.7), dbSNP rs886038822, ClinGen allele CA10587726.

ClinVar aggregate classification (germline): Pathogenic/Likely pathogenic. Review status: criteria provided, multiple submitters, no conflicts (2 of 4 stars). 3 submissions from 3 submitters: Pathogenic (2); Likely pathogenic (1). Last evaluated 2024-01-11.

Conditions:
Cardiovascular phenotype. Identifiers: MedGen CN230736.
Hypertrophic cardiomyopathy. Also called: HYPERTROPHIC MYOCARDIOPATHY. Identifiers: Orphanet 217569, MedGen C0007194, MeSH D002312, MONDO:0005045, HP:0001639.

Submissions (3):

GeneDx
Classification: Likely pathogenic. Last evaluated: 2024-01-11. Review status: criteria provided, single submitter. Criteria: GeneDx Variant Classification Process June 2021. Collection method: clinical testing. Allele origin: germline. Affected: yes.
Comment: Has not been previously published as pathogenic or benign to our knowledge; Not observed at significant frequency in large population cohorts (gnomAD); Nonsense variant predicted to result in protein truncation or nonsense mediated decay in a gene for which loss of function is a known mechanism of disease; This variant is associated with the following publications: (PMID: 28152038)

Labcorp Genetics (formerly Invitae), Labcorp
Classification: Pathogenic for Hypertrophic cardiomyopathy. Last evaluated: 2023-11-25. Review status: criteria provided, single submitter. Criteria: Invitae Variant Classification Sherloc (09022015). Collection method: clinical testing. Allele origin: germline.
Comment: This sequence change creates a premature translational stop signal (p.Cys909*) in the MYBPC3 gene. It is expected to result in an absent or disrupted protein product. Loss-of-function variants in MYBPC3 are known to be pathogenic (PMID: 19574547). This variant is not present in population databases (gnomAD no frequency). This variant has not been reported in the literature in individuals affected with MYBPC3-related conditions. ClinVar contains an entry for this variant (Variation ID: 263484). For these reasons, this variant has been classified as Pathogenic.

Ambry Genetics
Classification: Pathogenic for Cardiovascular phenotype. Last evaluated: 2013-01-15. Review status: criteria provided, single submitter. Criteria: Ambry Autosomal Dominant and X-Linked criteria (10/2015). Collection method: clinical testing. Allele origin: germline. Observed: 1 variant allele.

Literature cited by the submitters: PubMed 19574547 (cited by Labcorp Genetics (formerly Invitae), Labcorp).